The following is an entry in ClinVar:

NM_170606.3(KMT2C):c.10193G>A (p.Arg3398Gln)

Gene: KMT2C (lysine methyltransferase 2C; minus strand). Cytogenetic location: 7q36.1.
Variant type: single nucleotide variant.
Coding change: c.10193G>A on transcript NM_170606.3 (MANE Select); coding-DNA position 10193, G replaced by A.
Protein change: p.Arg3398Gln; replaces arginine 3398 with glutamine.
Molecular consequence: missense variant.
Genome position (GRCh38, 1-based): chr7:152,163,384, C>T on the plus strand (G>A on the coding strand, the complement: KMT2C is on the minus strand). VCF-style: chr7-152163384-C-T. GRCh37 (hg19) VCF-style: chr7-151860469-C-T.
Other names: short protein forms R3398Q.
Identifiers: ClinVar variation 4074628 (VCV004074628.1).

ClinVar aggregate classification (germline): Uncertain significance (1 of 4 stars; one submission).

Submission:

GeneDx
Classification: Uncertain significance. Last evaluated: 2025-02-05. Review status: criteria provided, single submitter. Criteria: GeneDx Variant Classification Process June 2021. Collection method: clinical testing. Allele origin: germline. Affected: yes.
Comment: Not observed at significant frequency in large population cohorts (gnomAD); In silico analysis indicates that this missense variant does not alter protein structure/function; Has not been previously published as pathogenic or benign to our knowledge